The following is an entry in ClinVar:

NM_015909.4(NBAS):c.1249del (p.Thr417fs)

Gene: NBAS (NBAS subunit of NRZ tethering complex; minus strand). Cytogenetic location: 2p24.3.
Variant type: Deletion.
Coding change: c.1249del on transcript NM_015909.4 (MANE Select); coding-DNA position 1249, one base deleted (A; older notation c.1249delA).
Protein change: p.Thr417fs; shifts the reading frame from threonine 417.
Molecular consequence: frameshift variant. On other transcripts: non-coding transcript variant (1).
Genome position (GRCh38, 1-based): chr2:15,475,779, T deleted on the plus strand (A on the coding strand, the reverse complement: NBAS is on the minus strand); the first of 4 consecutive T bases (chr2:15,475,779-15,475,782); deleting any one gives the same sequence. VCF-style (leftmost placement, unchanged base first): chr2-15475778-GT-G. GRCh37 (hg19) VCF-style: chr2-15615902-GT-G.
Other names: short protein forms T417fs.
Identifiers: ClinVar variation 3701609 (VCV003701609.2).

ClinVar aggregate classification (germline): Pathogenic (1 of 4 stars; one submission).

Submission:

Labcorp Genetics (formerly Invitae), Labcorp
Classification: Pathogenic. Last evaluated: 2024-09-22. Review status: criteria provided, single submitter. Criteria: Invitae Variant Classification Sherloc (09022015). Collection method: clinical testing. Allele origin: germline.
Comment: This sequence change creates a premature translational stop signal (p.Thr417Leufs*2) in the NBAS gene. It is expected to result in an absent or disrupted protein product. Loss-of-function variants in NBAS are known to be pathogenic (PMID: 26073778, 26541327, 27789416, 28031453). This variant is not present in population databases (gnomAD no frequency). This variant has not been reported in the literature in individuals affected with NBAS-related conditions. For these reasons, this variant has been classified as Pathogenic.

Literature cited by the submitters: PubMed 26073778; PubMed 26541327; PubMed 27789416; PubMed 28031453.